The following is an entry in ClinVar:

NC_000009.11:g.(?_79966213)_(80030922_?)del

Gene: VPS13A (vacuolar protein sorting 13 homolog A; plus strand). Cytogenetic location: 9q21.2.
Variant type: Deletion.
Identifiers: ClinVar variation 3245378 (VCV003245378.1).

ClinVar aggregate classification (germline): Pathogenic (1 of 4 stars; one submission).

Submission:

Labcorp Genetics (formerly Invitae), Labcorp
Classification: Pathogenic. Last evaluated: 2022-12-16. Review status: criteria provided, single submitter. Criteria: Invitae Variant Classification Sherloc (09022015). Collection method: clinical testing. Allele origin: unknown.
Comment: For these reasons, this variant has been classified as Pathogenic. This variant disrupts a region of the VPS13A protein in which other variant(s) (p.Glu3144Valfs*6) have been determined to be pathogenic (PMID: 12404112, 30713887, 31543803). This suggests that this is a clinically significant region of the protein, and that variants that disrupt it are likely to be disease-causing. This variant has not been reported in the literature in individuals affected with VPS13A-related conditions. This variant is a gross deletion of the genomic region encompassing exon(s) 53-72 of the VPS13A gene, which includes the termination codon. This deletion extends beyond the assayed region for this gene and therefore may encompass additional genes. While this deletion is not anticipated to lead to nonsense mediated decay, it is expected to alter mRNA translation or result in a truncated protein product.

Literature cited by the submitters: PubMed 12404112; PubMed 30713887; PubMed 31543803.